The following is an entry in ClinVar:

ClinVar aggregate classification (germline): Uncertain significance (1 of 4 stars; one submission).

Submission:

Labcorp Genetics (formerly Invitae), Labcorp
Classification: Uncertain significance. Last evaluated: 2024-07-04. Review status: criteria provided, single submitter. Criteria: Invitae Variant Classification Sherloc (09022015). Collection method: clinical testing. Allele origin: germline.
Comment: This sequence change replaces glutamic acid, which is acidic and polar, with aspartic acid, which is acidic and polar, at codon 369 of the CCT2 protein (p.Glu369Asp). This variant is not present in population databases (gnomAD no frequency). This variant has not been reported in the literature in individuals affected with CCT2-related conditions. An algorithm developed to predict the effect of missense changes on protein structure and function (PolyPhen-2) suggests that this variant is likely to be tolerated. In summary, the available evidence is currently insufficient to determine the role of this variant in disease. Therefore, it has been classified as a Variant of Uncertain Significance.

NM_006431.3(CCT2):c.1107G>T (p.Glu369Asp)

Gene: CCT2 (chaperonin containing TCP1 subunit 2; plus strand). Cytogenetic location: 12q15.
Variant type: single nucleotide variant.
Coding change: c.1107G>T on transcript NM_006431.3 (MANE Select); coding-DNA position 1107, G replaced by T.
Protein change: p.Glu369Asp; replaces glutamic acid 369 with aspartic acid.
Molecular consequence: missense variant.
Genome position (GRCh38, 1-based): chr12:69,597,642, G>T. VCF-style: chr12-69597642-G-T. GRCh37 (hg19) VCF-style: chr12-69991422-G-T.
Other names: c.966G>T, p.Glu322Asp (NM_001198842.2); short protein forms E369D, E322D.
Identifiers: ClinVar variation 3658745 (VCV003658745.2).